The following is an entry in ClinVar:

ClinVar aggregate classification (germline): Conflicting classifications of pathogenicity. Review status: criteria provided, conflicting classifications (1 of 4 stars). 11 submissions from 11 submitters: Uncertain significance (9); Likely benign (1). 1 of the submissions does not count toward it. Last evaluated 2025-10-31.

Conditions:
Hereditary cancer-predisposing syndrome. Also called: Neoplastic Syndromes, Hereditary; Tumor predisposition; Hereditary Cancer Syndrome; Hereditary neoplastic syndrome. Identifiers: Orphanet 140162, MedGen C0027672, MeSH D009386, MONDO:0015356.
Fanconi anemia (FA). Also called: Fanconi's anemia. Identifiers: Orphanet 84, MedGen C0015625, MeSH D005199, MONDO:0019391.
Fanconi anemia complementation group A (FANCA). Also called: FANCA-Related Fanconi Anemia; Fanconi anemia, group A. Identifiers: Orphanet 84, MedGen C3469521, MONDO:0009215, OMIM 227650.
Fanconi anemia complementation group C (FANCC). Also called: FANCONI PANCYTOPENIA, TYPE 3; FACC; FANCC-Related Fanconi Anemia; Fanconi anemia, group C. Identifiers: Orphanet 84, MedGen C3468041, MONDO:0009213, OMIM 227645.

Allele frequency attached by ClinVar (database versions not stated): gnomAD 0.00005; gnomAD exomes 0.00005; ExAC 0.00007; TOPMed 0.00008; 1000 Genomes Project 0.00020; 1000 Genomes Project 30x 0.00031.
gnomAD v4.1: 78 of 1,614,208 alleles (0.0048%); highest among the groups gnomAD compares: African/African-American, 0.013%; no homozygotes.

Submissions (11):

Quest Diagnostics Nichols Institute San Juan Capistrano
Classification: Uncertain significance. Last evaluated: 2025-10-31. Review status: criteria provided, single submitter. Criteria: Quest Diagnostics criteria. Collection method: clinical testing. Allele origin: unknown.
Comment: The FANCC c.1406C>T (p.Thr469Met) variant has been reported in the published literature in individuals with ovarian cancer (PMID: 32546565 (2021)) and breast cancer (PMID: 33471991 (2021), see also LOVD). This variant has also been observed in reportedly unaffected individuals (PMID: 33471991 (2021), see also LOVD). The frequency of this variant in the general population (Genome Aggregation Database) is uninformative in the assessment of its pathogenicity. Analysis of this variant using bioinformatics tools for the prediction of the effect of amino acid changes on protein structure and function yielded predictions that this variant is benign. Based on the available information, we are unable to determine the clinical significance of this variant.

Labcorp Genetics (formerly Invitae), Labcorp
Classification: Uncertain significance for Fanconi anemia. Last evaluated: 2024-07-24. Review status: criteria provided, single submitter. Criteria: Invitae Variant Classification Sherloc (09022015). Collection method: clinical testing. Allele origin: germline.
Comment: This sequence change replaces threonine, which is neutral and polar, with methionine, which is neutral and non-polar, at codon 469 of the FANCC protein (p.Thr469Met). This variant is present in population databases (rs149917017, gnomAD 0.02%). This variant has not been reported in the literature in individuals affected with FANCC-related conditions. ClinVar contains an entry for this variant (Variation ID: 419042). Advanced modeling of protein sequence and biophysical properties (such as structural, functional, and spatial information, amino acid conservation, physicochemical variation, residue mobility, and thermodynamic stability) performed at Invitae indicates that this missense variant is not expected to disrupt FANCC protein function with a negative predictive value of 80%. In summary, the available evidence is currently insufficient to determine the role of this variant in disease. Therefore, it has been classified as a Variant of Uncertain Significance.

GeneDx
Classification: Uncertain significance. Last evaluated: 2024-04-15. Review status: criteria provided, single submitter. Criteria: GeneDx Variant Classification Process June 2021. Collection method: clinical testing. Allele origin: germline. Affected: yes.
Comment: In silico analysis supports that this missense variant does not alter protein structure/function; Observed in an individual with ovarian cancer (PMID: 32546565); This variant is associated with the following publications: (PMID: 32546565)

Ambry Genetics
Classification: Likely benign for Hereditary cancer-predisposing syndrome. Last evaluated: 2024-03-25. Review status: criteria provided, single submitter. Criteria: Ambry Variant Classification Scheme 2023. Collection method: clinical testing. Allele origin: germline.

Fulgent Genetics
Classification: Uncertain significance for Fanconi anemia complementation group C. Last evaluated: 2024-03-11. Review status: criteria provided, single submitter. Criteria: ACMG Guidelines, 2015. Collection method: clinical testing. Allele origin: germline.

Blueprint Genetics
Classification: Uncertain significance. Last evaluated: 2024-01-18. Review status: criteria provided, single submitter. Criteria: ACMG Guidelines, 2015. Collection method: clinical testing. Allele origin: germline.

Revvity Omics, Revvity
Classification: Uncertain significance for Fanconi anemia complementation group C. Last evaluated: 2023-11-16. Review status: criteria provided, single submitter. Criteria: ACMG Guidelines, 2015. Collection method: clinical testing. Allele origin: germline.

Women's Health and Genetics/Laboratory Corporation of America, LabCorp
Classification: Uncertain significance. Last evaluated: 2021-03-08. Review status: criteria provided, single submitter. Criteria: LabCorp Variant Classification Summary - May 2015. Collection method: clinical testing. Allele origin: germline.
Comment: Variant summary: FANCC c.1406C>T (p.Thr469Met) results in a non-conservative amino acid change in the encoded protein sequence. Three of five in-silico tools predict a benign effect of the variant on protein function. The variant allele was found at a frequency of 5.2e-05 in 251262 control chromosomes. This frequency is not significantly higher than expected for a pathogenic variant in FANCC causing Fanconi Anemia Group C (5.2e-05 vs 0.0018), allowing no conclusion about variant significance. To our knowledge, no occurrence of c.1406C>T in individuals affected with Fanconi Anemia Group C and no experimental evidence demonstrating its impact on protein function have been reported. Four clinical diagnostic laboratories have submitted clinical-significance assessments for this variant to ClinVar after 2014 without evidence for independent evaluation. All laboratories classified the variant as uncertain significance. Based on the evidence outlined above, the variant was classified as uncertain significance.

Mendelics
Classification: Uncertain significance for Fanconi anemia complementation group A. Last evaluated: 2019-05-28. Review status: criteria provided, single submitter. Criteria: Mendelics Assertion Criteria 2017. Collection method: clinical testing. Allele origin: unknown.

Breakthrough Genomics
Classification: Uncertain significance. Review status: criteria provided, single submitter. Criteria: ACMG Guidelines, 2015. Collection method: not provided. Allele origin: germline. Inheritance: Autosomal recessive inheritance. Affected: yes.

Natera, Inc.
Classification: Uncertain significance for Fanconi anemia. Last evaluated: 2018-11-15. Review status: no assertion criteria provided. Collection method: clinical testing. Allele origin: germline. Not counted in ClinVar's aggregate classification.

Literature cited by the submitters: PubMed 33471991 (cited by Quest Diagnostics Nichols Institute San Juan Capistrano); PubMed 32546565 (cited by Quest Diagnostics Nichols Institute San Juan Capistrano).

NM_000136.3(FANCC):c.1406C>T (p.Thr469Met)

Genes: AOPEP (aminopeptidase O (putative); plus strand), FANCC (FA complementation group C; minus strand). Cytogenetic location: 9q22.32.
Variant type: single nucleotide variant.
Coding change: c.1406C>T on transcript NM_000136.3 (MANE Select); coding-DNA position 1406, C replaced by T.
Protein change: p.Thr469Met; replaces threonine 469 with methionine.
Molecular consequence: missense variant.
Genome position (GRCh38, 1-based): chr9:95,107,193, G>A on the plus strand (C>T on the coding strand, the complement: FANCC is on the minus strand). VCF-style: chr9-95107193-G-A. GRCh37 (hg19) VCF-style: chr9-97869475-G-A.
Other names: c.1406C>T, p.Thr469Met (NM_001243743.2); short protein forms T469M.
Identifiers: ClinVar variation 419042 (VCV000419042.31), dbSNP rs149917017, ClinGen allele CA5137337.